The following is an entry in ClinVar:

ClinVar aggregate classification (germline): Pathogenic (1 of 4 stars; one submission).

Conditions:
Gastrointestinal stromal tumor. Also called: Gastrointestinal stromal tumor, somatic; Gastrointestinal stroma tumor. Identifiers: Orphanet 44890, MedGen C0238198, MeSH D046152, MONDO:0011719, OMIM 606764, HP:0100723.

Submission:

Labcorp Genetics (formerly Invitae), Labcorp
Classification: Pathogenic for Gastrointestinal stromal tumor. Last evaluated: 2018-03-14. Review status: criteria provided, single submitter. Criteria: Invitae Variant Classification Sherloc (09022015). Collection method: clinical testing. Allele origin: germline.
Comment: This sequence change creates a premature translational stop signal (p.Thr718*) in the KIT gene. It is expected to result in an absent or disrupted protein product. This variant is not present in population databases (ExAC no frequency). This variant has not been reported in the literature in individuals with KIT-related disease. Loss-of-function variants in KIT are known to be pathogenic (PMID: 15194144). For these reasons, this variant has been classified as Pathogenic.

Literature cited by the submitters: PubMed 15194144.

NM_000222.3(KIT):c.2152_2153del (p.Ser717_Thr718insTer)

Gene: KIT (KIT proto-oncogene, receptor tyrosine kinase; plus strand). Cytogenetic location: 4q12.
Variant type: Deletion.
Coding change: c.2152_2153del on transcript NM_000222.3 (MANE Select); coding-DNA positions 2152 to 2153, 2 bases deleted (AC; older notation c.2152_2153delAC).
Protein change: p.Ser717_Thr718insTer.
Molecular consequence: nonsense.
Genome position (GRCh38, 1-based): chr4:54,731,338-54,731,339, AC deleted. VCF-style (leftmost placement, unchanged base first): chr4-54731337-TAC-T. GRCh37 (hg19) VCF-style: chr4-55597503-TAC-T.
Other names: c.2152_2153delAC (NM_000222.2); c.2140_2141del, p.Ser713_Thr714insTer (NM_001093772.2, NM_001385292.1); c.2155_2156del, p.Ser718_Thr719insTer (NM_001385284.1); c.2149_2150del, p.Ser716_Thr717insTer (NM_001385285.1); c.2137_2138del, p.Ser712_Thr713insTer (NM_001385286.1); c.2143_2144del, p.Ser714_Thr715insTer (NM_001385288.1); c.2152_2153del, p.Ser717_Thr718insTer (NM_001385290.1).
Identifiers: ClinVar variation 580901 (VCV000580901.7), dbSNP rs1560420761, ClinGen allele CA891842571.